The following is an entry in ClinVar:

NM_020461.4(TUBGCP6):c.1969A>G (p.Ser657Gly)

Gene: TUBGCP6 (tubulin gamma complex component 6; minus strand). Cytogenetic location: 22q13.33.
Variant type: single nucleotide variant.
Coding change: c.1969A>G on transcript NM_020461.4 (MANE Select); coding-DNA position 1969, A replaced by G.
Protein change: p.Ser657Gly; replaces serine 657 with glycine.
Molecular consequence: missense variant.
Genome position (GRCh38, 1-based): chr22:50,225,808, T>C on the plus strand (A>G on the coding strand, the complement: TUBGCP6 is on the minus strand). VCF-style: chr22-50225808-T-C. GRCh37 (hg19) VCF-style: chr22-50664237-T-C.
Other names: short protein forms S657G.
Identifiers: ClinVar variation 1438630 (VCV001438630.3), dbSNP rs977849520, ClinGen allele CA325465441.

ClinVar aggregate classification (germline): Uncertain significance (1 of 4 stars; one submission).

Allele frequency attached by ClinVar (database versions not stated): TOPMed 0.00001.

Submission:

Labcorp Genetics (formerly Invitae), Labcorp
Classification: Uncertain significance. Last evaluated: 2022-08-16. Review status: criteria provided, single submitter. Criteria: Invitae Variant Classification Sherloc (09022015). Collection method: clinical testing. Allele origin: germline.
Comment: This sequence change replaces serine, which is neutral and polar, with glycine, which is neutral and non-polar, at codon 657 of the TUBGCP6 protein (p.Ser657Gly). This variant is not present in population databases (gnomAD no frequency). This variant has not been reported in the literature in individuals affected with TUBGCP6-related conditions. ClinVar contains an entry for this variant (Variation ID: 1438630). Algorithms developed to predict the effect of missense changes on protein structure and function are either unavailable or do not agree on the potential impact of this missense change (SIFT: "Deleterious"; PolyPhen-2: "Possibly Damaging"; Align-GVGD: "Class C0"). In summary, the available evidence is currently insufficient to determine the role of this variant in disease. Therefore, it has been classified as a Variant of Uncertain Significance.